The following is an entry in ClinVar:

NM_000393.5(COL5A2):c.376G>A (p.Gly126Ser)

Gene: COL5A2 (collagen type V alpha 2 chain; minus strand). Cytogenetic location: 2q32.2.
Variant type: single nucleotide variant.
Coding change: c.376G>A on transcript NM_000393.5 (MANE Select); coding-DNA position 376, G replaced by A.
Protein change: p.Gly126Ser; replaces glycine 126 with serine.
Molecular consequence: missense variant.
Genome position (GRCh38, 1-based): chr2:189,098,753, C>T on the plus strand (G>A on the coding strand, the complement: COL5A2 is on the minus strand). VCF-style: chr2-189098753-C-T. GRCh37 (hg19) VCF-style: chr2-189963479-C-T.
Other names: p.G126S:GGC>AGC; p.Gly126Ser; short protein forms G126S.
Identifiers: ClinVar variation 213140 (VCV000213140.26), dbSNP rs779153546, ClinGen allele CA322643.

ClinVar aggregate classification (germline): Conflicting classifications of pathogenicity. Review status: criteria provided, conflicting classifications (1 of 4 stars). 7 submissions from 7 submitters: Uncertain significance (3); Likely benign (3). 1 of the submissions does not count toward it. Last evaluated 2026-08-13.

Conditions:
COL5A2-related disorder. Also called: COL5A2-related condition.
Ehlers-Danlos syndrome, classic type, 1 (EDSCL1). Also called: EHLERS-DANLOS SYNDROME, GRAVIS TYPE; EHLERS-DANLOS SYNDROME, SEVERE CLASSIC TYPE; Ehlers-Danlos syndrome, type 1; Ehlers-Danlos Syndrome, Classic Type, COL5A1-Related; EDS I. Identifiers: MedGen C0268335, MONDO:0019567, OMIM 130000.
Familial thoracic aortic aneurysm and aortic dissection (TAAD). Also called: Thoracic aortic aneurysms and dissections. Identifiers: Orphanet 91387, MedGen C4707243, MONDO:0019625.

Allele frequency attached by ClinVar (database versions not stated): ExAC 0.00002; gnomAD exomes 0.00004 and 0.00005; gnomAD 0.00006; TOPMed 0.00007.
gnomAD v4.1: 39 of 1,612,822 alleles (0.0024%); highest among the groups gnomAD compares: Admixed American, 0.03%; 1 homozygote.

Submissions (7):

GeneDx
Classification: Uncertain significance. Last evaluated: 2026-08-13. Review status: criteria provided, single submitter. Criteria: GeneDx Variant Classification Process June 2021. Collection method: clinical testing. Allele origin: germline.
Comment: Identified on molecular autopsy in case of early sudden unexplained death (SUD) (PMID: 31847883); Not located in the triple helical region, where the majority of pathogenic missense variants occur (PMID: 22696272; HGMD); In silico analysis suggests that this missense variant does not alter protein structure/function; This variant is associated with the following publications: (PMID: 22696272, 31847883)

Women's Health and Genetics/Laboratory Corporation of America, LabCorp
Classification: Likely benign. Last evaluated: 2026-04-13. Review status: criteria provided, single submitter. Criteria: LabCorp Variant Classification Summary - May 2015. Collection method: clinical testing. Allele origin: germline.
Comment: Variant summary: COL5A2 c.376G>A (p.Gly126Ser) results in a non-conservative amino acid change in the encoded protein sequence. Algorithms developed to predict the effect of missense changes on protein structure and function all suggest that this variant is likely to be disruptive. The variant allele was found at a frequency of 5.2e-05 in 251232 control chromosomes (gnomAD). The observed variant frequency exceeds the estimated maximal expected allele frequency for disease-causing variants in COL5A2. c.376G>A has been reported in the literature in an individual who suffered a sudden unexplained death who was found to have Brugada syndrome following autopsy, without strong evidence for causality (Salfari_2019). This report do not provide unequivocal conclusions about association of the variant with Ehlers-Danlos Syndrome. To our knowledge, no experimental evidence demonstrating an impact on protein function has been reported. The following publication has been ascertained in the context of this evaluation (PMID: 31847883). ClinVar contains an entry for this variant (Variation ID: 213140). Based on the evidence outlined above, the variant was classified as likely benign.

Labcorp Genetics (formerly Invitae), Labcorp
Classification: Likely benign for Ehlers-Danlos syndrome, classic type, 1. Last evaluated: 2025-12-14. Review status: criteria provided, single submitter. Criteria: Invitae Variant Classification Sherloc (09022015). Collection method: clinical testing. Allele origin: germline.

Ambry Genetics
Classification: Uncertain significance for Familial thoracic aortic aneurysm and aortic dissection. Last evaluated: 2025-07-01. Review status: criteria provided, single submitter. Criteria: Ambry Variant Classification Scheme 2023. Collection method: clinical testing. Allele origin: germline.
Comment: The p.G126S variant (also known as c.376G>A), located in coding exon 5 of the COL5A2 gene, results from a G to A substitution at nucleotide position 376. The glycine at codon 126 is replaced by serine, an amino acid with similar properties. This alteration has been reported in a sudden unexplained death cohort; however, clinical details were limited and an additional alteration in another cardiac-related gene was identified (Salfati EL et al. Genome Med, 2019 12;11:83). This amino acid position is highly conserved in available vertebrate species. In addition, this alteration is predicted to be deleterious by in silico analysis. Since supporting evidence is limited at this time, the clinical significance of this alteration remains unclear.

Blueprint Genetics
Classification: Likely benign. Last evaluated: 2024-11-25. Review status: criteria provided, single submitter. Criteria: ACMG Guidelines, 2015. Collection method: clinical testing. Allele origin: germline.

Mayo Clinic Laboratories, Mayo Clinic
Classification: Uncertain significance. Last evaluated: 2021-10-26. Review status: criteria provided, single submitter. Criteria: ACMG Guidelines, 2015. Collection method: clinical testing. Allele origin: germline.

PreventionGenetics, part of Exact Sciences
Classification: Likely benign for COL5A2-related condition. Last evaluated: 2023-10-08. Review status: no assertion criteria provided. Collection method: clinical testing. Allele origin: germline. Not counted in ClinVar's aggregate classification.
Comment: This variant is classified as likely benign based on ACMG/AMP sequence variant interpretation guidelines (Richards et al. 2015 PMID: 25741868, with internal and published modifications).

Literature cited by the submitters: PubMed 31847883 (cited by Women's Health and Genetics/Laboratory Corporation of America, LabCorp and Ambry Genetics).